The following is an entry in ClinVar:

NM_145207.3(AFG2A):c.2564A>G (p.Asn855Ser)

Gene: AFG2A (AAA ATPase AFG2A; plus strand). Cytogenetic location: 4q28.1.
Variant type: single nucleotide variant.
Coding change: c.2564A>G on transcript NM_145207.3 (MANE Select); coding-DNA position 2564, A replaced by G.
Protein change: p.Asn855Ser; replaces asparagine 855 with serine.
Molecular consequence: missense variant.
Genome position (GRCh38, 1-based): chr4:123,313,946, A>G. VCF-style: chr4-123313946-A-G. GRCh37 (hg19) VCF-style: chr4-124235101-A-G.
Other names: c.2561A>G, p.Asn854Ser (NM_001345856.2); short protein forms N854S, N855S.
Identifiers: ClinVar variation 3761751 (VCV003761751.2).

ClinVar aggregate classification (germline): Uncertain significance (1 of 4 stars; one submission).

Conditions:
Microcephaly-intellectual disability-sensorineural hearing loss-epilepsy-abnormal muscle tone syndrome (NEDHSB). Also called: NEURODEVELOPMENTAL DISORDER WITH HEARING LOSS, SEIZURES, AND BRAIN ABNORMALITIES. Identifiers: Orphanet 457351, MedGen C4225276, MONDO:0014698, OMIM 616577.

gnomAD v4.1: 24 of 1,612,904 alleles (0.0015%); highest among the groups gnomAD compares: South Asian, 0.021%; no homozygotes.

Submission:

Labcorp Genetics (formerly Invitae), Labcorp
Classification: Uncertain significance for Microcephaly-intellectual disability-sensorineural hearing loss-epilepsy-abnormal muscle tone syndrome. Last evaluated: 2026-01-08. Review status: criteria provided, single submitter. Criteria: Invitae Variant Classification Sherloc (09022015). Collection method: clinical testing. Allele origin: germline.
Comment: This sequence change replaces asparagine, which is neutral and polar, with serine, which is neutral and polar, at codon 855 of the SPATA5 protein (p.Asn855Ser). This variant is present in population databases (rs759115657, gnomAD 0.01%). This variant has not been reported in the literature in individuals affected with SPATA5-related conditions. ClinVar contains an entry for this variant (Variation ID: 3761751). Invitae Evidence Modeling of protein sequence and biophysical properties (such as structural, functional, and spatial information, amino acid conservation, physicochemical variation, residue mobility, and thermodynamic stability) indicates that this missense variant is not expected to disrupt SPATA5 protein function with a negative predictive value of 95%. In summary, the available evidence is currently insufficient to determine the role of this variant in disease. Therefore, it has been classified as a Variant of Uncertain Significance.